The following is an entry in ClinVar:

ClinVar aggregate classification (germline): Uncertain significance (1 of 4 stars; one submission).

Conditions:
Tuberous sclerosis 1 (TSC1). Identifiers: Orphanet 805, MedGen C1854465, MONDO:0008612, OMIM 191100.

Submission:

Labcorp Genetics (formerly Invitae), Labcorp
Classification: Uncertain significance for Tuberous sclerosis 1. Last evaluated: 2021-04-21. Review status: criteria provided, single submitter. Criteria: Invitae Variant Classification Sherloc (09022015). Collection method: clinical testing. Allele origin: germline.
Comment: In summary, the available evidence is currently insufficient to determine the role of this variant in disease. Therefore, it has been classified as a Variant of Uncertain Significance. Algorithms developed to predict the effect of missense changes on protein structure and function output the following: SIFT: "Tolerated"; PolyPhen-2: "Benign"; Align-GVGD: "Class C0". The alanine amino acid residue is found in multiple mammalian species, suggesting that this missense change does not adversely affect protein function. These predictions have not been confirmed by published functional studies and their clinical significance is uncertain. This variant has not been reported in the literature in individuals with TSC1-related conditions. This variant is not present in population databases (ExAC no frequency). This sequence change replaces proline with alanine at codon 533 of the TSC1 protein (p.Pro533Ala). The proline residue is weakly conserved and there is a small physicochemical difference between proline and alanine.

NM_000368.5(TSC1):c.1597C>G (p.Pro533Ala)

Gene: TSC1 (TSC complex subunit 1; minus strand). Cytogenetic location: 9q34.13.
Variant type: single nucleotide variant.
Coding change: c.1597C>G on transcript NM_000368.5 (MANE Select); coding-DNA position 1597, C replaced by G.
Protein change: p.Pro533Ala; replaces proline 533 with alanine.
Molecular consequence: missense variant.
Genome position (GRCh38, 1-based): chr9:132,905,981, G>C on the plus strand (C>G on the coding strand, the complement: TSC1 is on the minus strand). VCF-style: chr9-132905981-G-C. GRCh37 (hg19) VCF-style: chr9-135781368-G-C.
Other names: c.1594C>G, p.Pro532Ala (NM_001162426.2); c.1444C>G, p.Pro482Ala (NM_001162427.2); c.1234C>G, p.Pro412Ala (NM_001362177.2); short protein forms P412A, P533A, P482A, P532A.
Identifiers: ClinVar variation 1347130 (VCV001347130.8), dbSNP rs1331420425, ClinGen allele CA375364832.